The following is an entry in ClinVar:

ClinVar aggregate classification (germline): Uncertain significance (1 of 4 stars; one submission).

Conditions:
Ataxia-telangiectasia syndrome (AT). Also called: Cerebello-oculocutaneous telangiectasia; Immunodeficiency with ataxia telangiectasia; Ataxia-telangiectasia, complementation group E; LOUIS-BAR SYNDROME; Ataxia telangiectasia (A-T); AT, COMPLEMENTATION GROUP C. Identifiers: Orphanet 100, MedGen C0004135, MONDO:0008840, OMIM 208900.

Submission:

Labcorp Genetics (formerly Invitae), Labcorp
Classification: Uncertain significance for Ataxia-telangiectasia syndrome. Last evaluated: 2023-11-18. Review status: criteria provided, single submitter. Criteria: Invitae Variant Classification Sherloc (09022015). Collection method: clinical testing. Allele origin: germline.
Comment: This sequence change replaces phenylalanine, which is neutral and non-polar, with tyrosine, which is neutral and polar, at codon 897 of the ATM protein (p.Phe897Tyr). This variant is not present in population databases (gnomAD no frequency). This variant has not been reported in the literature in individuals affected with ATM-related conditions. An algorithm developed to predict the effect of missense changes on protein structure and function (PolyPhen-2) suggests that this variant is likely to be tolerated. In summary, the available evidence is currently insufficient to determine the role of this variant in disease. Therefore, it has been classified as a Variant of Uncertain Significance.

NM_000051.4(ATM):c.2690T>A (p.Phe897Tyr)

Gene: ATM (ATM serine/threonine kinase; plus strand). Cytogenetic location: 11q22.3.
Variant type: single nucleotide variant.
Coding change: c.2690T>A on transcript NM_000051.4 (MANE Select); coding-DNA position 2690, T replaced by A.
Protein change: p.Phe897Tyr; replaces phenylalanine 897 with tyrosine.
Molecular consequence: missense variant.
Genome position (GRCh38, 1-based): chr11:108,268,461, T>A. VCF-style: chr11-108268461-T-A. GRCh37 (hg19) VCF-style: chr11-108139188-T-A.
Other names: c.2690T>A, p.Phe897Tyr (NM_001351834.2); short protein forms F897Y.
Identifiers: ClinVar variation 2697030 (VCV002697030.3), dbSNP rs876658373, ClinGen allele CA382545183.
Genomic context (GRCh38, chr11:108,268,461, plus strand): 5'-TATTTTTAGGTGCCATTAATCCTTTAGCTGAAGAATATCTGTCAAAGCAAGATCTACTTT[T>A]CTTAGACATGCTCAAGTTCTTGTGTTTGTGTGTAACTACTGCTCAGACCAATACTGTGTC-3'
Protein context (NP_000042.3, residues 887-907): EEYLSKQDLL[Phe897Tyr]LDMLKFLCLC